The following is an entry in ClinVar:

ClinVar aggregate classification (germline): Uncertain significance (1 of 4 stars; one submission).

Conditions:
Adams-Oliver syndrome 5 (AOS5). Identifiers: Orphanet 974, MedGen C4014970, MONDO:0014459, OMIM 616028.

Submission:

Labcorp Genetics (formerly Invitae), Labcorp
Classification: Uncertain significance for Adams-Oliver syndrome 5. Last evaluated: 2025-06-05. Review status: criteria provided, single submitter. Criteria: Invitae Variant Classification Sherloc (09022015). Collection method: clinical testing. Allele origin: germline.
Comment: This sequence change replaces cysteine, which is neutral and slightly polar, with arginine, which is basic and polar, at codon 866 of the NOTCH1 protein (p.Cys866Arg). This variant is not present in population databases (gnomAD no frequency). This variant has not been reported in the literature in individuals affected with NOTCH1-related conditions. Invitae Evidence Modeling of protein sequence and biophysical properties (such as structural, functional, and spatial information, amino acid conservation, physicochemical variation, residue mobility, and thermodynamic stability) indicates that this missense variant is expected to disrupt NOTCH1 protein function with a positive predictive value of 95%. In summary, the available evidence is currently insufficient to determine the role of this variant in disease. Therefore, it has been classified as a Variant of Uncertain Significance.

NM_017617.5(NOTCH1):c.2596T>C (p.Cys866Arg)

Gene: NOTCH1 (notch receptor 1; minus strand). Cytogenetic location: 9q34.3.
Variant type: single nucleotide variant.
Coding change: c.2596T>C on transcript NM_017617.5 (MANE Select); coding-DNA position 2596, T replaced by C.
Protein change: p.Cys866Arg; replaces cysteine 866 with arginine.
Molecular consequence: missense variant.
Genome position (GRCh38, 1-based): chr9:136,510,797, A>G on the plus strand (T>C on the coding strand, the complement: NOTCH1 is on the minus strand). VCF-style: chr9-136510797-A-G. GRCh37 (hg19) VCF-style: chr9-139405249-A-G.
Other names: short protein forms C866R.
Identifiers: ClinVar variation 4801895 (VCV004801895.1).